The following is an entry in ClinVar:

ClinVar aggregate classification (germline): Uncertain significance (1 of 4 stars; one submission).

gnomAD v4.1: 1 of 1,491,332 alleles (0.000067%); highest among the groups gnomAD compares: Non-Finnish European, 0.000089%; no homozygotes.

Submission:

Ambry Genetics
Classification: Uncertain significance. Last evaluated: 2025-06-04. Review status: criteria provided, single submitter. Criteria: Ambry Variant Classification Scheme 2023. Collection method: clinical testing. Allele origin: germline.
Comment: The p.Q13E variant (also known as c.37C>G), located in coding exon 1 of the PALLD gene, results from a C to G substitution at nucleotide position 37. The glutamine at codon 13 is replaced by glutamic acid, an amino acid with highly similar properties. This amino acid position is conserved. In addition, this alteration is predicted to be tolerated by in silico analysis. Based on the available evidence, the clinical significance of this variant remains unclear.

NM_001166108.2(PALLD):c.1965-12994C>G

Gene: PALLD (palladin, cytoskeletal associated protein; plus strand). Cytogenetic location: 4q32.3.
Variant type: single nucleotide variant.
Coding change: c.1965-12994C>G on transcript NM_001166108.2 (MANE Select); 12994 bases into the intron before coding-DNA position 1965, C replaced by G.
Molecular consequence: intron variant. On other transcripts: missense variant (1).
Genome position (GRCh38, 1-based): chr4:168,877,928, C>G. VCF-style: chr4-168877928-C-G. GRCh37 (hg19) VCF-style: chr4-169799079-C-G.
Other names: c.37C>G, p.Gln13Glu (NM_001166110.2); c.1965-12994C>G (NM_016081.4); c.819-12994C>G (NM_001166109.2); c.-157-12994C>G (NM_001367570.1, NM_001367568.1, NM_001367567.1 and 1 more transcripts); short protein forms Q13E.
Identifiers: ClinVar variation 3927567 (VCV003927567.1).